The following is an entry in ClinVar:

ClinVar aggregate classification (germline): Uncertain significance. Review status: criteria provided, multiple submitters, no conflicts (2 of 4 stars). 2 submissions from 2 submitters: Uncertain significance (2). Last evaluated 2025-10-24.

Allele frequency attached by ClinVar (database versions not stated): gnomAD 0.00002; gnomAD exomes below 0.00001; TOPMed 0.00002; ExAC 0.00002.
gnomAD v4.1: 9 of 1,612,616 alleles (0.00056%); highest among the groups gnomAD compares: East Asian, 0.02%; no homozygotes.

Submissions (2):

Labcorp Genetics (formerly Invitae), Labcorp
Classification: Uncertain significance. Last evaluated: 2025-10-24. Review status: criteria provided, single submitter. Criteria: Invitae Variant Classification Sherloc (09022015). Collection method: clinical testing. Allele origin: germline.
Comment: This sequence change replaces arginine, which is basic and polar, with proline, which is neutral and non-polar, at codon 224 of the SIX5 protein (p.Arg224Pro). This variant is present in population databases (rs771658903, gnomAD 0.04%). This variant has not been reported in the literature in individuals affected with SIX5-related conditions. ClinVar contains an entry for this variant (Variation ID: 2336439). Invitae Evidence Modeling of protein sequence and biophysical properties (such as structural, functional, and spatial information, amino acid conservation, physicochemical variation, residue mobility, and thermodynamic stability) indicates that this missense variant is not expected to disrupt SIX5 protein function with a negative predictive value of 80%. In summary, the available evidence is currently insufficient to determine the role of this variant in disease. Therefore, it has been classified as a Variant of Uncertain Significance.

Ambry Genetics
Classification: Uncertain significance. Last evaluated: 2022-12-19. Review status: criteria provided, single submitter. Criteria: Ambry Variant Classification Scheme 2023. Collection method: clinical testing. Allele origin: germline.

NM_175875.5(SIX5):c.671G>C (p.Arg224Pro)

Genes: DM1-AS (DM1 locus antisense RNA; plus strand), SIX5 (SIX homeobox 5; minus strand), LOC107075317 (origin of replication in DMPK trinucleotide repeat region; plus strand). Cytogenetic location: 19q13.32.
Variant type: single nucleotide variant.
Coding change: c.671G>C on transcript NM_175875.5 (MANE Select); coding-DNA position 671, G replaced by C.
Protein change: p.Arg224Pro; replaces arginine 224 with proline.
Molecular consequence: missense variant.
Genome position (GRCh38, 1-based): chr19:45,768,174, C>G on the plus strand (G>C on the coding strand, the complement: SIX5 is on the minus strand). VCF-style: chr19-45768174-C-G. GRCh37 (hg19) VCF-style: chr19-46271432-C-G.
Other names: short protein forms R224P.
Identifiers: ClinVar variation 2336439 (VCV002336439.4), dbSNP rs771658903, ClinGen allele CA9520798.